The following is an entry in ClinVar:

ClinVar aggregate classification (germline): Likely pathogenic (1 of 4 stars; one submission).

Conditions:
Usher syndrome type 2C. Also called: Usher syndrome, type 2B; USHER SYNDROME, TYPE IIC. Identifiers: Orphanet 231178, Orphanet 886, MedGen C2931213, MONDO:0011558, OMIM 605472.

Submission:

Illumina Laboratory Services, Illumina
Classification: Likely pathogenic for Usher syndrome type 2C. Last evaluated: 2024-01-23. Review status: criteria provided, single submitter. Criteria: ICSLVariantClassificationCriteria RUGD 01 April 2020. Collection method: clinical testing. Allele origin: unknown.
Comment: The ADGRV1 c.3261del p.(Tyr1089IlefsTer2) variant causes a shift in the protein reading frame that is predicted to result in premature termination of the protein. Loss of normal protein function through either protein truncation or nonsense-mediated mRNA decay is expected. To our knowledge, this variant has not been reported in the peer-reviewed literature. This variant is not observed in version 2.1.1 or version 4.0.0 of the Genome Aggregation Database. Based on the available evidence, the c.3261del p.(Tyr1089IlefsTer2) variant is classified as likely pathogenic for Usher syndrome type 2.

NM_032119.4(ADGRV1):c.3261del (p.Tyr1089fs)

Gene: ADGRV1 (adhesion G protein-coupled receptor V1; plus strand). Cytogenetic location: 5q14.3.
Variant type: Deletion.
Coding change: c.3261del on transcript NM_032119.4 (MANE Select); coding-DNA position 3261, one base deleted (C; older notation c.3261delC).
Protein change: p.Tyr1089fs; shifts the reading frame from tyrosine 1089.
Molecular consequence: frameshift variant. On other transcripts: non-coding transcript variant (1).
Genome position (GRCh38, 1-based): chr5:90,647,736, C deleted; the last of 3 consecutive C bases (chr5:90,647,734-90,647,736); deleting any one gives the same sequence. VCF-style (leftmost placement, unchanged base first): chr5-90647733-GC-G. GRCh37 (hg19) VCF-style: chr5-89943550-GC-G.
Other names: short protein forms Y1089fs.
Identifiers: ClinVar variation 3893247 (VCV003893247.1).